The following is an entry in ClinVar:

NM_000271.5(NPC1):c.1339C>A (p.Gln447Lys)

Gene: NPC1 (NPC intracellular cholesterol transporter 1; minus strand). Cytogenetic location: 18q11.2.
Variant type: single nucleotide variant.
Coding change: c.1339C>A on transcript NM_000271.5 (MANE Select); coding-DNA position 1339, C replaced by A.
Protein change: p.Gln447Lys; replaces glutamine 447 with lysine.
Molecular consequence: missense variant.
Genome position (GRCh38, 1-based): chr18:23,554,972, G>T on the plus strand (C>A on the coding strand, the complement: NPC1 is on the minus strand). VCF-style: chr18-23554972-G-T. GRCh37 (hg19) VCF-style: chr18-21134936-G-T.
Other names: short protein forms Q447K.
Identifiers: ClinVar variation 1705805 (VCV001705805.7), dbSNP rs1057517077, ClinGen allele CA401776735.
Genomic context (GRCh38, chr18:23,554,972, plus strand): 5'-TGTCTTGAAGTGTCACAGTCTCATTGTCATAAGAGGCAGTAATGTTTTCGATGGCTATTT[G>T]TAAGTCAAGAACCTGAAAGAAGATTTTAAAAATAAGCAAACCCAGAAACACGTCACATTT-3'
Protein context (NP_000262.2, residues 437-457): IQILHQVLDL[Gln447Lys]IAIENITASY

ClinVar aggregate classification (germline): Conflicting classifications of pathogenicity. Review status: criteria provided, conflicting classifications (1 of 4 stars). 3 submissions from 3 submitters: Likely pathogenic (2); Uncertain significance (1). Last evaluated 2025-10-29.

Conditions:
Niemann-Pick disease, type C1. Also called: NEUROVISCERAL STORAGE DISEASE WITH VERTICAL SUPRANUCLEAR OPHTHALMOPLEGIA; NIEMANN-PICK DISEASE WITH CHOLESTEROL ESTERIFICATION BLOCK; NIEMANN-PICK DISEASE WITHOUT SPHINGOMYELINASE DEFICIENCY; NIEMANN-PICK DISEASE, CHRONIC NEURONOPATHIC FORM; NIEMANN-PICK DISEASE, VARIANT TYPE C1. Identifiers: Orphanet 646, MedGen C3179455, MONDO:0009757, OMIM 257220.

Submissions (3):

Women's Health and Genetics/Laboratory Corporation of America, LabCorp
Classification: Uncertain significance. Last evaluated: 2025-10-29. Review status: criteria provided, single submitter. Criteria: LabCorp Variant Classification Summary - May 2015. Collection method: clinical testing. Allele origin: germline.
Comment: Variant summary: NPC1 c.1339C>A (p.Gln447Lys) results in a conservative amino acid change in the encoded protein sequence. Algorithms developed to predict the effect of missense changes on protein structure and function are either unavailable or do not agree on the potential impact of this missense change. The variant was absent in 251274 control chromosomes. The available data on variant occurrences in the general population are insufficient to allow any conclusion about variant significance. c.1339C>A has been observed in an individuals affected with Niemann-Pick Disease Type C (Guatibonza Moreno_2023). These report(s) do not provide unequivocal conclusions about association of the variant with Niemann-Pick Disease Type C. To our knowledge, no experimental evidence demonstrating an impact on protein function has been reported. The following publication have been ascertained in the context of this evaluation (PMID: 37433892). ClinVar contains an entry for this variant (Variation ID: 1705805). Based on the evidence outlined above, the variant was classified as uncertain significance.

Institute of Human Genetics Munich, TUM University Hospital
Classification: Likely pathogenic for Niemann-Pick disease, type C1. Last evaluated: 2024-12-17. Review status: criteria provided, single submitter. Criteria: Classification criteria August 2017. Collection method: clinical testing. Allele origin: inherited. Inheritance: Autosomal recessive inheritance. Affected: yes. Observed: 1 variant allele.

CENTOGENE GmbH and LLC - Guiding Precision Medicine
Classification: Likely pathogenic for Niemann-Pick disease, type C1. Last evaluated: 2022-08-30. Review status: criteria provided, single submitter. Criteria: ACMG Guidelines, 2015. Collection method: clinical testing. Allele origin: germline. Affected: yes.

Literature cited by the submitters: PubMed 37433892 (cited by Women's Health and Genetics/Laboratory Corporation of America, LabCorp).